The following is an entry in ClinVar:

NM_018026.4(PACS1):c.67T>G (p.Ser23Ala)

Gene: PACS1 (phosphofurin acidic cluster sorting protein 1; plus strand). Cytogenetic location: 11q13.1.
Variant type: single nucleotide variant.
Coding change: c.67T>G on transcript NM_018026.4 (MANE Select); coding-DNA position 67, T replaced by G.
Protein change: p.Ser23Ala; replaces serine 23 with alanine.
Molecular consequence: missense variant.
Genome position (GRCh38, 1-based): chr11:66,070,553, T>G. VCF-style: chr11-66070553-T-G. GRCh37 (hg19) VCF-style: chr11-65838024-T-G.
Other names: short protein forms S23A.
Identifiers: ClinVar variation 3363938 (VCV003363938.1).

ClinVar aggregate classification (germline): Uncertain significance (1 of 4 stars; one submission).

Submission:

GeneDx
Classification: Uncertain significance. Last evaluated: 2023-11-06. Review status: criteria provided, single submitter. Criteria: GeneDx Variant Classification Process June 2021. Collection method: clinical testing. Allele origin: germline. Affected: yes.
Comment: Not observed at significant frequency in large population cohorts (gnomAD); In silico analysis supports that this missense variant does not alter protein structure/function; Has not been previously published as pathogenic or benign to our knowledge